The following is an entry in ClinVar:

NM_014587.5(SOX8):c.801G>A (p.Ser267=)

Gene: SOX8 (SRY-box transcription factor 8; plus strand). Cytogenetic location: 16p13.3.
Variant type: single nucleotide variant.
Coding change: c.801G>A on transcript NM_014587.5 (MANE Select); coding-DNA position 801, G replaced by A.
Protein change: p.Ser267=; no amino-acid change (serine 267 retained).
Molecular consequence: synonymous variant.
Genome position (GRCh38, 1-based): chr16:984,846, G>A. VCF-style: chr16-984846-G-A. GRCh37 (hg19) VCF-style: chr16-1034846-G-A.
Identifiers: ClinVar variation 787970 (VCV000787970.6), dbSNP rs150846324, ClinGen allele CA7798245.

ClinVar aggregate classification (germline): Benign. Review status: criteria provided, multiple submitters, no conflicts (2 of 4 stars). 3 submissions from 3 submitters: Benign (2). 1 of the submissions does not count toward it. Last evaluated 2018-06-18.

Conditions:
SOX8-related disorder. Also called: SOX8-related condition.

Allele frequency attached by ClinVar (database versions not stated): gnomAD exomes 0.00066 and 0.00172; ExAC 0.00211; 1000 Genomes Project 0.00539; 1000 Genomes Project 30x 0.00562; gnomAD 0.00626 and 0.00676; ESP Exome Variant Server 0.00716; TOPMed 0.00716.

Submissions (3):

Labcorp Genetics (formerly Invitae), Labcorp
Classification: Benign. Last evaluated: 2018-06-18. Review status: criteria provided, single submitter. Criteria: Invitae Variant Classification Sherloc (09022015). Collection method: clinical testing. Allele origin: germline.

Breakthrough Genomics
Classification: Benign. Review status: criteria provided, single submitter. Criteria: ACMG Guidelines, 2015. Collection method: not provided. Allele origin: germline. Inheritance: Unknown mechanism. Affected: yes.

PreventionGenetics, part of Exact Sciences
Classification: Likely benign for SOX8-related condition. Last evaluated: 2019-03-19. Review status: no assertion criteria provided. Collection method: clinical testing. Allele origin: germline. Not counted in ClinVar's aggregate classification.
Comment: This variant is classified as likely benign based on ACMG/AMP sequence variant interpretation guidelines (Richards et al. 2015 PMID: 25741868, with internal and published modifications).